The following is an entry in ClinVar:

ClinVar aggregate classification (germline): Benign/Likely benign. Review status: criteria provided, multiple submitters, no conflicts (2 of 4 stars). 3 submissions from 3 submitters: Benign (1); Likely benign (2). Last evaluated 2024-10-18.

Conditions:
3-methylglutaconic aciduria type 1 (MGCA1). Identifiers: Orphanet 67046, MedGen C0342727, MONDO:0009610, OMIM 250950.

Allele frequency attached by ClinVar (database versions not stated): ExAC 0.00049; gnomAD 0.00106 and 0.00111; gnomAD exomes 0.00123 and 0.00036; TOPMed 0.00003; 1000 Genomes Project 30x 0.00016.
gnomAD v4.1: 654 of 1,544,646 alleles (0.042%); highest among the groups gnomAD compares: South Asian, 0.0072%; 5 homozygotes.

Submissions (3):

Blueprint Genetics
Classification: Likely benign. Last evaluated: 2024-10-18. Review status: criteria provided, single submitter. Criteria: ACMG Guidelines, 2015. Collection method: clinical testing. Allele origin: germline.

Labcorp Genetics (formerly Invitae), Labcorp
Classification: Benign for 3-methylglutaconic aciduria type 1. Last evaluated: 2018-10-11. Review status: criteria provided, single submitter. Criteria: Invitae Variant Classification Sherloc (09022015). Collection method: clinical testing. Allele origin: germline.

GeneDx
Classification: Likely benign. Last evaluated: 2016-05-20. Review status: criteria provided, single submitter. Criteria: GeneDx Variant Classification (06012015). Collection method: clinical testing. Allele origin: germline. Affected: yes.
Comment: This variant is considered likely benign or benign based on one or more of the following criteria: it is a conservative change, it occurs at a poorly conserved position in the protein, it is predicted to be benign by multiple in silico algorithms, and/or has population frequency not consistent with disease.

NM_001698.3(AUH):c.135G>A (p.Ala45=)

Genes: AUH (AU RNA binding methylglutaconyl-CoA hydratase; minus strand), LOC130002059 (ATAC-STARR-seq lymphoblastoid silent region 20025; plus strand). Cytogenetic location: 9q22.31.
Variant type: single nucleotide variant.
Coding change: c.135G>A on transcript NM_001698.3 (MANE Select); coding-DNA position 135, G replaced by A.
Protein change: p.Ala45=; no amino-acid change (alanine 45 retained).
Molecular consequence: synonymous variant. On other transcripts: 5 prime UTR variant (3).
Genome position (GRCh38, 1-based): chr9:91,361,755, C>T on the plus strand (G>A on the coding strand, the complement: AUH is on the minus strand). VCF-style: chr9-91361755-C-T. GRCh37 (hg19) VCF-style: chr9-94124037-C-T.
Other names: c.135G>A, p.Ala45= (NM_001306190.2); c.-263G>A (NM_001351431.2, NM_001351433.2); c.-355G>A (NM_001351432.2).
Identifiers: ClinVar variation 386078 (VCV000386078.12), dbSNP rs774989333, ClinGen allele CA5119954.